The following is an entry in ClinVar:

ClinVar aggregate classification (germline): Uncertain significance (1 of 4 stars; one submission).

gnomAD v4.1: 25 of 1,612,832 alleles (0.0016%); highest among the groups gnomAD compares: Non-Finnish European, 0.0016%; no homozygotes.

Submission:

Labcorp Genetics (formerly Invitae), Labcorp
Classification: Uncertain significance. Last evaluated: 2024-04-25. Review status: criteria provided, single submitter. Criteria: Invitae Variant Classification Sherloc (09022015). Collection method: clinical testing. Allele origin: germline.
Comment: This sequence change replaces glycine, which is neutral and non-polar, with glutamic acid, which is acidic and polar, at codon 378 of the IHH protein (p.Gly378Glu). This variant is present in population databases (rs201214780, gnomAD 0.01%). This variant has not been reported in the literature in individuals affected with IHH-related conditions. Advanced modeling of protein sequence and biophysical properties (such as structural, functional, and spatial information, amino acid conservation, physicochemical variation, residue mobility, and thermodynamic stability) performed at Invitae indicates that this missense variant is not expected to disrupt IHH protein function with a negative predictive value of 80%. In summary, the available evidence is currently insufficient to determine the role of this variant in disease. Therefore, it has been classified as a Variant of Uncertain Significance.

NM_002181.4(IHH):c.1133G>A (p.Gly378Glu)

Gene: IHH (Indian hedgehog signaling molecule; minus strand). Cytogenetic location: 2q35.
Variant type: single nucleotide variant.
Coding change: c.1133G>A on transcript NM_002181.4 (MANE Select); coding-DNA position 1133, G replaced by A.
Protein change: p.Gly378Glu; replaces glycine 378 with glutamic acid.
Molecular consequence: missense variant.
Genome position (GRCh38, 1-based): chr2:219,055,310, C>T on the plus strand (G>A on the coding strand, the complement: IHH is on the minus strand). VCF-style: chr2-219055310-C-T. GRCh37 (hg19) VCF-style: chr2-219920032-C-T.
Other names: short protein forms G378E.
Identifiers: ClinVar variation 3695977 (VCV003695977.2).
Genomic context (GRCh38, chr2:219,055,310, plus strand): 5'-TCTTCTAGCAGGAGACGCCCCAGGCGGTAGAGCAGCTGGGGGTACCAATGCACACCCTCC[C>T]CCGGAGTCCAGCTGCCCCATGCCAAGCTGTGAAAGAGTCTCAGGGGCCAGAAGGCCAACT-3'
Protein context (NP_002172.2, residues 368-388): HSLAWGSWTP[Gly378Glu]EGVHWYPQLL